The following is an entry in ClinVar:

ClinVar aggregate classification (germline): Uncertain significance (1 of 4 stars; one submission).

gnomAD v4.1: 6 of 1,613,296 alleles (0.00037%); highest among the groups gnomAD compares: Non-Finnish European, 0.00051%; no homozygotes.

Submission:

Labcorp Genetics (formerly Invitae), Labcorp
Classification: Uncertain significance. Last evaluated: 2022-06-27. Review status: criteria provided, single submitter. Criteria: Invitae Variant Classification Sherloc (09022015). Collection method: clinical testing. Allele origin: germline.
Comment: In summary, the available evidence is currently insufficient to determine the role of this variant in disease. Therefore, it has been classified as a Variant of Uncertain Significance. Algorithms developed to predict the effect of missense changes on protein structure and function (SIFT, PolyPhen-2, Align-GVGD) all suggest that this variant is likely to be disruptive. This variant has not been reported in the literature in individuals affected with MOCS3-related conditions. This variant is not present in population databases (gnomAD no frequency). This sequence change replaces threonine, which is neutral and polar, with serine, which is neutral and polar, at codon 185 of the MOCS3 protein (p.Thr185Ser).

NM_014484.5(MOCS3):c.553A>T (p.Thr185Ser)

Gene: MOCS3 (molybdenum cofactor synthesis 3; plus strand). Cytogenetic location: 20q13.13.
Variant type: single nucleotide variant.
Coding change: c.553A>T on transcript NM_014484.5 (MANE Select); coding-DNA position 553, A replaced by T.
Protein change: p.Thr185Ser; replaces threonine 185 with serine.
Molecular consequence: missense variant.
Genome position (GRCh38, 1-based): chr20:50,959,395, A>T. VCF-style: chr20-50959395-A-T. GRCh37 (hg19) VCF-style: chr20-49575932-A-T.
Other names: short protein forms T185S.
Identifiers: ClinVar variation 1377574 (VCV001377574.8), dbSNP rs2123159453, ClinGen allele CA408983249.
Genomic context (GRCh38, chr20:50,959,395, plus strand): 5'-ACTGCCCTAGACCTGGTCCGCCGATATGATGTGGTGGCTGACTGCTCGGACAACGTGCCC[A>T]CTCGCTACCTGGTTAATGACGCATGTGTGCTGGCGGGTCGGCCCCTCGTGTCTGCCAGTG-3'
Protein context (NP_055299.1, residues 175-195): VVADCSDNVP[Thr185Ser]RYLVNDACVL